The following is an entry in ClinVar:

NM_005670.4(EPM2A):c.758A>T (p.His253Leu)

Gene: EPM2A (EPM2A glucan phosphatase, laforin; minus strand). Cytogenetic location: 6q24.3.
Variant type: single nucleotide variant.
Coding change: c.758A>T on transcript NM_005670.4 (MANE Select); coding-DNA position 758, A replaced by T.
Protein change: p.His253Leu; replaces histidine 253 with leucine.
Molecular consequence: missense variant. On other transcripts: synonymous variant (1), non-coding transcript variant (1).
Genome position (GRCh38, 1-based): chr6:145,627,654, T>A on the plus strand (A>T on the coding strand, the complement: EPM2A is on the minus strand). VCF-style: chr6-145627654-T-A. GRCh37 (hg19) VCF-style: chr6-145948790-T-A.
Other names: NM_005670.4(EPM2A):c.758A>T; p.His253Leu; c.758A>T, p.His253Leu (NM_001018041.2); c.516A>T, p.Ala172= (NM_001360057.2); c.344A>T, p.His115Leu (NM_001360064.2, NM_001360071.2, NM_001368131.1); c.296A>T, p.His99Leu (NM_001368129.2, NM_001368132.1); short protein forms H115L, H253L, H99L.
Identifiers: ClinVar variation 640416 (VCV000640416.11), dbSNP rs749937487, ClinGen allele CA4035088.
Genomic context (GRCh38, chr6:145,627,654, plus strand): 5'-GAGCGGCCCACCCCAGCGTTGCAGTGCACGTACACGATGTGTCCCTTCTCCAGCAGCGCA[T>A]GCAGCAGGCACACCGCCTGGGGCAGCATCTGTACTCGGCCTGCGGTGGGGAAAGCACAGC-3'
Protein context (NP_005661.1, residues 243-263): QMLPQAVCLL[His253Leu]ALLEKGHIVY

ClinVar aggregate classification (germline): Conflicting classifications of pathogenicity. Review status: criteria provided, conflicting classifications (1 of 4 stars). 3 submissions from 3 submitters: Pathogenic (1); Uncertain significance (2). Last evaluated 2025-09-02.

Conditions:
Inborn genetic diseases. Identifiers: MedGen C0950123, MeSH D030342.
Progressive myoclonic epilepsy. Also called: Myoclonic Epilepsies, Progressive; Familial progressive myoclonic epilepsy; Progressive myoclonus epilepsy; Myoclonus epilepsy. Identifiers: Orphanet 308, Orphanet 98261, MedGen C0751778, MONDO:0020074.
Lafora disease. Also called: Epilepsy progressive myoclonic 2; Progressive Myoclonus Epilepsy, Lafora Type. Identifiers: Orphanet 501, MedGen C0751783, MONDO:0009697.

Allele frequency attached by ClinVar (database versions not stated): gnomAD exomes below 0.00001; ExAC 0.00001; TOPMed 0.00002.
gnomAD v4.1: 3 of 1,614,164 alleles (0.00019%); highest among the groups gnomAD compares: East Asian, 0.0067%; no homozygotes.

Submissions (3):

Labcorp Genetics (formerly Invitae), Labcorp
Classification: Pathogenic for Progressive myoclonic epilepsy. Last evaluated: 2025-09-02. Review status: criteria provided, single submitter. Criteria: Invitae Variant Classification Sherloc (09022015). Collection method: clinical testing. Allele origin: germline.
Comment: This sequence change replaces histidine, which is basic and polar, with leucine, which is neutral and non-polar, at codon 253 of the EPM2A protein (p.His253Leu). This variant is present in population databases (rs749937487, gnomAD no frequency). This missense change has been observed in individual(s) with clinical features of EPM2A-related conditions (PMID: 30947044, 38407811). In at least one individual the data is consistent with being in trans (on the opposite chromosome) from a pathogenic variant. It has also been observed to segregate with disease in related individuals. ClinVar contains an entry for this variant (Variation ID: 640416). Invitae Evidence Modeling of protein sequence and biophysical properties (such as structural, functional, and spatial information, amino acid conservation, physicochemical variation, residue mobility, and thermodynamic stability) has been performed for this missense variant. However, the output from this modeling did not meet the statistical confidence thresholds required to predict the impact of this variant on EPM2A protein function. For these reasons, this variant has been classified as Pathogenic.

Broad Center for Mendelian Genomics, Broad Institute of MIT and Harvard
Classification: Uncertain significance for Lafora disease. Last evaluated: 2025-01-03. Review status: criteria provided, single submitter. Criteria: ACMG Guidelines, 2015. Collection method: curation. Allele origin: germline. Inheritance: Autosomal recessive inheritance.
Comment: The p.His253Leu variant in EPM2A has been reported, in the compound heterozygous state, in one individual with Lafora disease (PMID: 30947044), and has been identified in in 0.008% (3/39700) of East Asian chromosomes by the Genome Aggregation Database (gnomAD; dbSNP ID: rs749937487). Although this variant has been seen in the general population in a heterozygous state, its frequency is low enough to be consistent with a recessive carrier frequency. This variant has also been reported in ClinVar (Variation ID: 640416) and has been interpreted as likely pathogenic by Invitae and as a variant of uncertain significance by Ambry Genetics. Computational prediction tools, including splice predictors and conservation analyses suggest that this variant may not impact the protein, though this information is not predictive enough to rule out pathogenicity. The phenotype of an individual heterozygous for this variant is highly specific for Lafora disease based on Lafora bodies identified via biopsy consistent with disease (PMID: 30947044). In summary, the clinical significance of the p.His253Leu variant is uncertain. ACMG/AMP Criteria applied: PM3, BP4, PP4, PM2_supporting (Richards 2015).

Ambry Genetics
Classification: Uncertain significance for Inborn genetic diseases. Last evaluated: 2018-08-08. Review status: criteria provided, single submitter. Criteria: Ambry Variant Classification Scheme 2023. Collection method: clinical testing. Allele origin: germline.
Comment: The p.H253L variant (also known as c.758A>T), located in coding exon 4 of the EPM2A gene, results from an A to T substitution at nucleotide position 758. The histidine at codon 253 is replaced by leucine, an amino acid with some similar properties. This amino acid position is well conserved in available vertebrate species. In addition, this alteration is predicted to be tolerated by in silico analysis. Since supporting evidence is limited at this time, the clinical significance of this alteration remains unclear.

Literature cited by the submitters: PubMed 30947044 (cited by Labcorp Genetics (formerly Invitae), Labcorp); PubMed 38407811 (cited by Labcorp Genetics (formerly Invitae), Labcorp).